The following is an entry in ClinVar:

ClinVar aggregate classification (germline): Uncertain significance. Review status: criteria provided, multiple submitters, no conflicts (2 of 4 stars). 2 submissions from 2 submitters: Uncertain significance (2). Last evaluated 2025-10-15.

Conditions:
Renal cell carcinoma. Identifiers: Orphanet 217071, MedGen C0007134, MeSH D002292, MONDO:0005086, HP:0005584.
Hereditary cancer-predisposing syndrome. Also called: Neoplastic Syndromes, Hereditary; Hereditary neoplastic syndrome; Tumor predisposition; Hereditary Cancer Syndrome. Identifiers: Orphanet 140162, MedGen C0027672, MeSH D009386, MONDO:0015356.

Submissions (2):

Ambry Genetics
Classification: Uncertain significance for Hereditary cancer-predisposing syndrome. Last evaluated: 2025-10-15. Review status: criteria provided, single submitter. Criteria: Ambry Variant Classification Scheme 2023. Collection method: clinical testing. Allele origin: germline.
Comment: The p.P356L variant (also known as c.1067C>T), located in coding exon 1 of the MET gene, results from a C to T substitution at nucleotide position 1067. The proline at codon 356 is replaced by leucine, an amino acid with similar properties. This amino acid position is highly conserved in available vertebrate species. In addition, this alteration is predicted to be tolerated by in silico analysis. Since supporting evidence is limited at this time, the clinical significance of this alteration remains unclear.

Labcorp Genetics (formerly Invitae), Labcorp
Classification: Uncertain significance for Renal cell carcinoma. Last evaluated: 2023-06-16. Review status: criteria provided, single submitter. Criteria: Invitae Variant Classification Sherloc (09022015). Collection method: clinical testing. Allele origin: germline.
Comment: In summary, the available evidence is currently insufficient to determine the role of this variant in disease. Therefore, it has been classified as a Variant of Uncertain Significance. Advanced modeling of protein sequence and biophysical properties (such as structural, functional, and spatial information, amino acid conservation, physicochemical variation, residue mobility, and thermodynamic stability) performed at Invitae indicates that this missense variant is not expected to disrupt MET protein function. ClinVar contains an entry for this variant (Variation ID: 2495828). This variant has not been reported in the literature in individuals affected with MET-related conditions. This variant is not present in population databases (gnomAD no frequency). This sequence change replaces proline, which is neutral and non-polar, with leucine, which is neutral and non-polar, at codon 356 of the MET protein (p.Pro356Leu).

NM_000245.4(MET):c.1067C>T (p.Pro356Leu)

Gene: MET (MET proto-oncogene, receptor tyrosine kinase; plus strand). Cytogenetic location: 7q31.2.
Variant type: single nucleotide variant.
Coding change: c.1067C>T on transcript NM_000245.4 (MANE Select); coding-DNA position 1067, C replaced by T.
Protein change: p.Pro356Leu; replaces proline 356 with leucine.
Molecular consequence: missense variant. On other transcripts: intron variant (1).
Genome position (GRCh38, 1-based): chr7:116,700,151, C>T. VCF-style: chr7-116700151-C-T. GRCh37 (hg19) VCF-style: chr7-116340205-C-T.
Other names: c.1067C>T, p.Pro356Leu (NM_001127500.3, NM_001324401.3); c.-91+27574C>T (NM_001324402.2); short protein forms P356L.
Identifiers: ClinVar variation 2495828 (VCV002495828.6), dbSNP rs2116604668, ClinGen allele CA368970469.
Genomic context (GRCh38, chr7:116,700,151, plus strand): 5'-GCCTGAATGATGACATTCTTTTCGGGGTGTTCGCACAAAGCAAGCCAGATTCTGCCGAAC[C>T]AATGGATCGATCTGCCATGTGTGCATTCCCTATCAAATATGTCAACGACTTCTTCAACAA-3'
Protein context (NP_000236.2, residues 346-366): FAQSKPDSAE[Pro356Leu]MDRSAMCAFP